The following is an entry in ClinVar:

NC_000012.11:g.(?_102157970)_(102174409_?)del

Gene: GNPTAB (N-acetylglucosamine-1-phosphate transferase subunits alpha and beta; minus strand). Cytogenetic location: 12q23.2.
Variant type: Deletion.
Identifiers: ClinVar variation 2426814 (VCV002426814.3).

ClinVar aggregate classification (germline): Pathogenic (1 of 4 stars; one submission).

Conditions:
Mucolipidosis type II. Also called: ML II ALPHA/BETA; Mucolipidosis 2; ML 2; Inclusion cell disease; Leroy Disease; N-acetylglucosamine 1phosphotransferase deficiency. Identifiers: Orphanet 576, MedGen C2673377, MONDO:0009650, OMIM 252500.
Pseudo-Hurler polydystrophy. Also called: ML III; ML III ALPHA/BETA; Type III Mucolipidosis; ML IIIA; Mucolipidosis III Alpha/Beta; MUCOLIPIDOSIS IIIA. Identifiers: Orphanet 423461, Orphanet 577, MedGen C0033788, MONDO:0018931, OMIM 252600.

Submission:

Labcorp Genetics (formerly Invitae), Labcorp
Classification: Pathogenic for Pseudo-Hurler polydystrophy; Mucolipidosis type II. Last evaluated: 2022-08-31. Review status: criteria provided, single submitter. Criteria: Invitae Variant Classification Sherloc (09022015). Collection method: clinical testing. Allele origin: germline.
Comment: For these reasons, this variant has been classified as Pathogenic. This variant has not been reported in the literature in individuals affected with GNPTAB-related conditions. This variant is a gross deletion of the genomic region encompassing exon(s) 6-13 of the GNPTAB gene. This deletion is out-of-frame, and is expected to create a premature termination codon and result in an absent or disrupted protein product. Loss-of-function variants in GNPTAB are known to be pathogenic (PMID: 19617216, 25107912).

Literature cited by the submitters: PubMed 19617216; PubMed 25107912.